The following is an entry in ClinVar:

ClinVar aggregate classification (germline): Likely benign (1 of 4 stars; one submission).

Conditions:
PLEC-related disorder. Also called: PLEC-related condition; PLEC-related disorders.

gnomAD v4.1: 4 of 1,601,456 alleles (0.00025%); highest among the groups gnomAD compares: African/African-American, 0.0013%; no homozygotes.

Submission:

PreventionGenetics, part of Exact Sciences
Classification: Likely benign for PLEC-related condition. Last evaluated: 2026-02-10. Review status: criteria provided, single submitter. Criteria: ACMG Guidelines, 2015. Collection method: clinical testing. Allele origin: germline.
Comment: This variant is classified as likely benign based on ACMG/AMP sequence variant interpretation guidelines (Richards et al. 2015 PMID: 25741868, with internal and published modifications).

NM_201384.3(PLEC):c.7557C>T (p.Leu2519=)

Gene: PLEC (plectin; minus strand). Cytogenetic location: 8q24.3.
Variant type: single nucleotide variant.
Coding change: c.7557C>T on transcript NM_201384.3 (MANE Select); coding-DNA position 7557, C replaced by T.
Protein change: p.Leu2519=; no amino-acid change (leucine 2519 retained).
Molecular consequence: synonymous variant.
Genome position (GRCh38, 1-based): chr8:143,922,264, G>A on the plus strand (C>T on the coding strand, the complement: PLEC is on the minus strand). VCF-style: chr8-143922264-G-A. GRCh37 (hg19) VCF-style: chr8-144996432-G-A.
Other names: c.7638C>T, p.Leu2546= (NM_000445.5); c.4257C>T, p.Leu1419= (NM_001410941.1); c.7515C>T, p.Leu2505= (NM_201378.4); c.7491C>T, p.Leu2497= (NM_201379.3); c.7968C>T, p.Leu2656= (NM_201380.4); c.7461C>T, p.Leu2487= (NM_201381.3); c.7557C>T, p.Leu2519= (NM_201382.4); c.7569C>T, p.Leu2523= (NM_201383.3).
Identifiers: ClinVar variation 4977038 (VCV004977038.1).